The following is an entry in ClinVar:

ClinVar aggregate classification (germline): Uncertain significance. Review status: criteria provided, multiple submitters, no conflicts (2 of 4 stars). 2 submissions from 2 submitters: Uncertain significance (2). Last evaluated 2024-12-05.

Conditions:
Cardiovascular phenotype. Identifiers: MedGen CN230736.

Allele frequency attached by ClinVar (database versions not stated): TOPMed below 0.00001.
gnomAD v4.1: 9 of 1,613,728 alleles (0.00056%); highest among the groups gnomAD compares: Admixed American, 0.015%; no homozygotes.

Submissions (2):

Ambry Genetics
Classification: Uncertain significance for Cardiovascular phenotype. Last evaluated: 2024-12-05. Review status: criteria provided, single submitter. Criteria: Ambry Variant Classification Scheme 2023. Collection method: clinical testing. Allele origin: germline.
Comment: The p.P2155T variant (also known as c.6463C>A), located in coding exon 17 of the TNXB gene, results from a C to A substitution at nucleotide position 6463. The proline at codon 2155 is replaced by threonine, an amino acid with highly similar properties. This amino acid position is conserved. In addition, this alteration is predicted to be tolerated by in silico analysis. Based on the available evidence, the clinical significance of this variant remains unclear.

GeneDx
Classification: Uncertain significance. Last evaluated: 2022-11-17. Review status: criteria provided, single submitter. Criteria: GeneDx Variant Classification Process June 2021. Collection method: clinical testing. Allele origin: germline. Affected: yes.
Comment: Not observed at significant frequency in large population cohorts (gnomAD); In silico analysis supports that this missense variant has a deleterious effect on protein structure/function; Has not been previously published as pathogenic or benign to our knowledge

NM_001365276.2(TNXB):c.6463C>A (p.Pro2155Thr)

Gene: TNXB (tenascin XB; minus strand). Cytogenetic location: 6p21.33.
Variant type: single nucleotide variant.
Coding change: c.6463C>A on transcript NM_001365276.2 (MANE Select); coding-DNA position 6463, C replaced by A.
Protein change: p.Pro2155Thr; replaces proline 2155 with threonine.
Molecular consequence: missense variant.
Genome position (GRCh38, 1-based): chr6:32,067,742, G>T on the plus strand (C>A on the coding strand, the complement: TNXB is on the minus strand). VCF-style: chr6-32067742-G-T. GRCh37 (hg19) VCF-style: chr6-32035519-G-T.
Other names: c.6463C>A, p.Pro2155Thr (NM_019105.8); short protein forms P2155T.
Identifiers: ClinVar variation 2502728 (VCV002502728.2), dbSNP rs1238592106, ClinGen allele CA363399026.